The following is an entry in ClinVar:

NM_021625.5(TRPV4):c.1584+12G>A

Gene: TRPV4 (transient receptor potential cation channel subfamily V member 4; minus strand). Cytogenetic location: 12q24.11.
Variant type: single nucleotide variant.
Coding change: c.1584+12G>A on transcript NM_021625.5 (MANE Select); 12 bases into the intron after coding-DNA position 1584, G replaced by A.
Molecular consequence: intron variant.
Genome position (GRCh38, 1-based): chr12:109,793,918, C>T on the plus strand (G>A on the coding strand, the complement: TRPV4 is on the minus strand). VCF-style: chr12-109793918-C-T. GRCh37 (hg19) VCF-style: chr12-110231723-C-T.
Other names: c.1263+12G>A (NM_001177433.1); c.1443+12G>A (NM_001177428.1); c.1404+12G>A (NM_147204.2); c.1482+12G>A (NM_001177431.1).
Identifiers: ClinVar variation 389531 (VCV000389531.4), dbSNP rs375908611, ClinGen allele CA16606367.
Genomic context (GRCh38, chr12:109,793,918, plus strand): 5'-GGGAGAGAAAAGAGGTGCAGGAAGAGAAGAGGAGGGCAGGCAGGGTGGGGGGCACGGGGG[C>T]CAGGCACTTACGTTGGTGAAGAAGAACAGGACCCCAGTGAAGAGCGTAATGACCTCGCCA-3'

ClinVar aggregate classification (germline): Likely benign. Review status: criteria provided, multiple submitters, no conflicts (2 of 4 stars). 2 submissions from 2 submitters: Likely benign (2). Last evaluated 2024-05-05.

Conditions:
Charcot-Marie-Tooth disease axonal type 2C (HMSN2C). Also called: CHARCOT-MARIE-TOOTH DISEASE, AXONAL, AUTOSOMAL DOMINANT, TYPE 2C; Charcot-Marie-Tooth Neuropathy Type 2C; Charcot-Marie-Tooth Disease Type 2, TRPV4-Related (CMT2C). Identifiers: Orphanet 99937, MedGen C1853710, MONDO:0011633, OMIM 606071.

Allele frequency attached by ClinVar (database versions not stated): TOPMed 0.00001.
gnomAD v4.1: 4 of 1,600,206 alleles (0.00025%); highest among the groups gnomAD compares: Non-Finnish European, 0.00034%; no homozygotes.

Submissions (2):

Labcorp Genetics (formerly Invitae), Labcorp
Classification: Likely benign for Charcot-Marie-Tooth disease axonal type 2C. Last evaluated: 2024-05-05. Review status: criteria provided, single submitter. Criteria: Invitae Variant Classification Sherloc (09022015). Collection method: clinical testing. Allele origin: germline.

GeneDx
Classification: Likely benign. Last evaluated: 2016-09-28. Review status: criteria provided, single submitter. Criteria: GeneDx Variant Classification (06012015). Collection method: clinical testing. Allele origin: germline. Affected: yes.
Comment: This variant is considered likely benign or benign based on one or more of the following criteria: it is a conservative change, it occurs at a poorly conserved position in the protein, it is predicted to be benign by multiple in silico algorithms, and/or has population frequency not consistent with disease.